The following is an entry in ClinVar:

NM_000492.4(CFTR):c.3615del (p.Ser1206fs)

Genes: CFTR (CF transmembrane conductance regulator; plus strand), CFTR-AS2 (CFTR antisense RNA 2; minus strand). Cytogenetic location: 7q31.2.
Variant type: Deletion.
Coding change: c.3615del on transcript NM_000492.4 (MANE Select); coding-DNA position 3615, one base deleted (C; older notation c.3615delC).
Protein change: p.Ser1206fs; shifts the reading frame from serine 1206.
Molecular consequence: frameshift variant.
Genome position (GRCh38, 1-based): chr7:117,627,668, C deleted; the last of 3 consecutive C bases (chr7:117,627,666-117,627,668); deleting any one gives the same sequence. VCF-style (leftmost placement, unchanged base first): chr7-117627665-GC-G. GRCh37 (hg19) VCF-style: chr7-117267719-GC-G.
Other names: c.3615delC (NM_000492.4); short protein forms S1206fs.
Identifiers: ClinVar variation 3384894 (VCV003384894.1).

ClinVar aggregate classification (germline): Pathogenic (1 of 4 stars; one submission).

Conditions:
Cystic fibrosis (CF). Also called: MUCOVISCIDOSIS. Identifiers: Orphanet 586, MedGen C0010674, MONDO:0009061, OMIM 219700. Disease mechanism: loss of function.

Submission:

Women's Health and Genetics/Laboratory Corporation of America, LabCorp
Classification: Pathogenic for Cystic fibrosis. Last evaluated: 2024-10-07. Review status: criteria provided, single submitter. Criteria: LabCorp Variant Classification Summary - May 2015. Collection method: clinical testing. Allele origin: germline.
Comment: Variant summary: CFTR c.3615delC (p.Ser1206GlnfsX5) results in a premature termination codon, predicted to cause a truncation of the encoded protein or absence of the protein due to nonsense mediated decay, which are commonly known mechanisms for disease. The variant was absent in 250264 control chromosomes (gnomAD). To our knowledge, no occurrence of c.3615delC in individuals affected with Cystic Fibrosis and no experimental evidence demonstrating its impact on protein function have been reported. No submitters have cited clinical-significance assessments for this variant to ClinVar. Based on the evidence outlined above, the variant was classified as pathogenic.